The following is an entry in ClinVar:

ClinVar aggregate classification (germline): Conflicting classifications of pathogenicity. Review status: criteria provided, conflicting classifications (1 of 4 stars). 4 submissions from 4 submitters: Uncertain significance (3); Likely benign (1). Last evaluated 2026-05-15.

Conditions:
Hereditary cancer-predisposing syndrome. Also called: Tumor predisposition; Hereditary neoplastic syndrome; Neoplastic Syndromes, Hereditary; Hereditary Cancer Syndrome. Identifiers: Orphanet 140162, MedGen C0027672, MeSH D009386, MONDO:0015356.
Hereditary diffuse gastric adenocarcinoma (HDGC). Also called: DIFFUSE GASTRIC AND LOBULAR BREAST CANCER SYNDROME. Identifiers: Orphanet 26106, MedGen C1708349, MONDO:0007648, OMIM 137215.

Allele frequency attached by ClinVar (database versions not stated): TOPMed 0.00001.
gnomAD v4.1: 1 of 1,613,974 alleles (0.000062%); highest among the groups gnomAD compares: Non-Finnish European, 0.000085%; no homozygotes.

Submissions (4):

Ambry Genetics
Classification: Likely benign for Hereditary cancer-predisposing syndrome. Last evaluated: 2026-05-15. Review status: criteria provided, single submitter. Criteria: Ambry Variant Classification Scheme 2023. Collection method: clinical testing. Allele origin: germline.

Color Diagnostics, LLC DBA Color Health
Classification: Uncertain significance for Hereditary cancer-predisposing syndrome. Last evaluated: 2024-09-25. Review status: criteria provided, single submitter. Criteria: ACMG Guidelines, 2015. Collection method: clinical testing. Allele origin: germline.
Comment: This missense variant replaces threonine with serine at codon 414 of the CDH1 protein. To our knowledge, functional studies have not been reported for this variant. This variant has been reported in two individuals with a family history of breast cancer (PMID: 36436516). This variant has not been identified in the general population by the Genome Aggregation Database (gnomAD). The available evidence is insufficient to determine the role of this variant in disease conclusively. Therefore, this variant is classified as a Variant of Uncertain Significance.

Labcorp Genetics (formerly Invitae), Labcorp
Classification: Uncertain significance for Hereditary diffuse gastric adenocarcinoma. Last evaluated: 2024-03-24. Review status: criteria provided, single submitter. Criteria: Invitae Variant Classification Sherloc (09022015). Collection method: clinical testing. Allele origin: germline.
Comment: This sequence change replaces threonine, which is neutral and polar, with serine, which is neutral and polar, at codon 414 of the CDH1 protein (p.Thr414Ser). This variant is not present in population databases (gnomAD no frequency). This missense change has been observed in individual(s) with breast cancer (PMID: 36436516). ClinVar contains an entry for this variant (Variation ID: 481690). Algorithms developed to predict the effect of missense changes on protein structure and function output the following: SIFT: "Not Available"; PolyPhen-2: "Benign"; Align-GVGD: "Not Available". The serine amino acid residue is found in multiple mammalian species, which suggests that this missense change does not adversely affect protein function. In summary, the available evidence is currently insufficient to determine the role of this variant in disease. Therefore, it has been classified as a Variant of Uncertain Significance.

European Reference Network on Genetic Tumour Risk Syndromes (ERN-GENTURIS), i3s - Instituto de Investigação e Inovação em Saúde, University of Porto
Classification: Uncertain significance for Hereditary diffuse gastric adenocarcinoma. Last evaluated: 2022-08-01. Review status: criteria provided, single submitter. Criteria: Lee et al. (Hum Mutat. 2018). Collection method: clinical testing. Allele origin: germline. Inheritance: Autosomal dominant inheritance. Affected: no. Study: ERN GENTURIS.
Comment: PM2 (PMID: 30311375)

Literature cited by the submitters: PubMed 36436516 (cited by 4 submitters).

NM_004360.5(CDH1):c.1241C>G (p.Thr414Ser)

Gene: CDH1 (cadherin 1; plus strand). Cytogenetic location: 16q22.1.
Variant type: single nucleotide variant.
Coding change: c.1241C>G on transcript NM_004360.5 (MANE Select); coding-DNA position 1241, C replaced by G.
Protein change: p.Thr414Ser; replaces threonine 414 with serine.
Molecular consequence: missense variant. On other transcripts: 5 prime UTR variant (2), intron variant (1).
Genome position (GRCh38, 1-based): chr16:68,813,416, C>G. VCF-style: chr16-68813416-C-G. GRCh37 (hg19) VCF-style: chr16-68847319-C-G.
Other names: c.1241C>G (LRG_301t1, NM_004360.4); c.-375C>G (NM_001317185.2); c.-579C>G (NM_001317186.2); c.1137+1153C>G (NM_001317184.2); short protein forms T414S.
Identifiers: ClinVar variation 481690 (VCV000481690.19), dbSNP rs755571454, ClinGen allele CA396461522.